The following is an entry in ClinVar:

ClinVar aggregate classification (germline): Uncertain significance (1 of 4 stars; one submission).

Conditions:
RASopathy. Also called: rasopathies; Noonan spectrum disorder. Identifiers: Orphanet 536391, MedGen C5555857, MONDO:0021060.

Submission:

Labcorp Genetics (formerly Invitae), Labcorp
Classification: Uncertain significance for RASopathy. Last evaluated: 2025-12-02. Review status: criteria provided, single submitter. Criteria: Invitae Variant Classification Sherloc (09022015). Collection method: clinical testing. Allele origin: germline.
Comment: This sequence change replaces alanine, which is neutral and non-polar, with threonine, which is neutral and polar, at codon 19 of the MAP2K1 protein (p.Ala19Thr). This variant is not present in population databases (gnomAD no frequency). This variant has not been reported in the literature in individuals affected with MAP2K1-related conditions. Invitae Evidence Modeling of protein sequence and biophysical properties (such as structural, functional, and spatial information, amino acid conservation, physicochemical variation, residue mobility, and thermodynamic stability) indicates that this missense variant is not expected to disrupt MAP2K1 protein function with a negative predictive value of 95%. In summary, the available evidence is currently insufficient to determine the role of this variant in disease. Therefore, it has been classified as a Variant of Uncertain Significance.

NM_002755.4(MAP2K1):c.55G>A (p.Ala19Thr)

Gene: MAP2K1 (mitogen-activated protein kinase kinase 1; plus strand). Cytogenetic location: 15q22.31.
Variant type: single nucleotide variant.
Coding change: c.55G>A on transcript NM_002755.4 (MANE Select); coding-DNA position 55, G replaced by A.
Protein change: p.Ala19Thr; replaces alanine 19 with threonine.
Molecular consequence: missense variant.
Genome position (GRCh38, 1-based): chr15:66,387,402, G>A. VCF-style: chr15-66387402-G-A. GRCh37 (hg19) VCF-style: chr15-66679740-G-A.
Other names: short protein forms A19T.
Identifiers: ClinVar variation 4802391 (VCV004802391.1).